The following is an entry in ClinVar:

NM_000368.5(TSC1):c.215T>C (p.Leu72Pro)

Gene: TSC1 (TSC complex subunit 1; minus strand). Cytogenetic location: 9q34.13.
Variant type: single nucleotide variant.
Coding change: c.215T>C on transcript NM_000368.5 (MANE Select); coding-DNA position 215, T replaced by C.
Protein change: p.Leu72Pro; replaces leucine 72 with proline.
Molecular consequence: missense variant. On other transcripts: 5 prime UTR variant (1), intron variant (1).
Genome position (GRCh38, 1-based): chr9:132,925,735, A>G on the plus strand (T>C on the coding strand, the complement: TSC1 is on the minus strand). VCF-style: chr9-132925735-A-G. GRCh37 (hg19) VCF-style: chr9-135801122-A-G.
Other names: c.215T>C, p.Leu72Pro (NM_001162426.2); c.-149T>C (NM_001362177.2); c.210+1466T>C (NM_001162427.2); short protein forms L72P.
Identifiers: ClinVar variation 48912 (VCV000048912.4), dbSNP rs118203354, ClinGen allele CA006084.

ClinVar aggregate classification (germline): Likely pathogenic. Review status: criteria provided, single submitter (1 of 4 stars). 2 submissions from 2 submitters: Likely pathogenic (1). 1 of the submissions does not count toward it. Last evaluated 2024-11-04.

Conditions:
Tuberous sclerosis syndrome (TSC). Also called: Tuberous Sclerosis Complex; Tuberous sclerosis. Identifiers: Orphanet 805, MedGen C0041341, MONDO:0001734.
Tuberous sclerosis 1 (TSC1). Identifiers: Orphanet 805, MedGen C1854465, MONDO:0008612, OMIM 191100.

Submissions (2):

Labcorp Genetics (formerly Invitae), Labcorp
Classification: Likely pathogenic for Tuberous sclerosis 1. Last evaluated: 2024-11-04. Review status: criteria provided, single submitter. Criteria: Invitae Variant Classification Sherloc (09022015). Collection method: clinical testing. Allele origin: germline.
Comment: This sequence change replaces leucine, which is neutral and non-polar, with proline, which is neutral and non-polar, at codon 72 of the TSC1 protein (p.Leu72Pro). This variant is not present in population databases (gnomAD no frequency). This missense change has been observed in individual(s) with tuberous sclerosis (PMID: 10533069; internal data). ClinVar contains an entry for this variant (Variation ID: 48912). Invitae Evidence Modeling of protein sequence and biophysical properties (such as structural, functional, and spatial information, amino acid conservation, physicochemical variation, residue mobility, and thermodynamic stability) indicates that this missense variant is expected to disrupt TSC1 protein function with a positive predictive value of 80%. Experimental studies have shown that this missense change affects TSC1 function (PMID: 21309039). In summary, the currently available evidence indicates that the variant is pathogenic, but additional data are needed to prove that conclusively. Therefore, this variant has been classified as Likely Pathogenic.

Tuberous sclerosis database (TSC1)
No classification provided. Condition: TSC. Review status: no classification provided. Criteria: Tuberous Sclerosis Database Assertion Criteria 2015. Collection method: curation. Allele origin: germline. Affected: yes. Not counted in ClinVar's aggregate classification.

Literature cited by the submitters: PubMed 10533069 (cited by Labcorp Genetics (formerly Invitae), Labcorp); PubMed 21309039 (cited by Labcorp Genetics (formerly Invitae), Labcorp).